The following is an entry in ClinVar:

ClinVar aggregate classification (germline): Uncertain significance (1 of 4 stars; one submission).

gnomAD v4.1: 1 of 1,558,586 alleles (0.000064%); highest among the groups gnomAD compares: Admixed American, 0.0019%; no homozygotes.

Submission:

Labcorp Genetics (formerly Invitae), Labcorp
Classification: Uncertain significance. Last evaluated: 2026-01-12. Review status: criteria provided, single submitter. Criteria: Invitae Variant Classification Sherloc (09022015). Collection method: clinical testing. Allele origin: germline.
Comment: This sequence change replaces leucine, which is neutral and non-polar, with proline, which is neutral and non-polar, at codon 309 of the XPC protein (p.Leu309Pro). The frequency data for this variant in the population databases is considered unreliable, as metrics indicate poor data quality at this position in the gnomAD database. This variant has not been reported in the literature in individuals affected with XPC-related conditions. Invitae Evidence Modeling of protein sequence and biophysical properties (such as structural, functional, and spatial information, amino acid conservation, physicochemical variation, residue mobility, and thermodynamic stability) indicates that this missense variant is expected to disrupt XPC protein function with a positive predictive value of 80%. In summary, the available evidence is currently insufficient to determine the role of this variant in disease. Therefore, it has been classified as a Variant of Uncertain Significance.

NM_004628.5(XPC):c.926T>C (p.Leu309Pro)

Gene: XPC (XPC complex subunit, DNA damage recognition and repair factor; minus strand). Cytogenetic location: 3p25.1.
Variant type: single nucleotide variant.
Coding change: c.926T>C on transcript NM_004628.5 (MANE Select); coding-DNA position 926, T replaced by C.
Protein change: p.Leu309Pro; replaces leucine 309 with proline.
Molecular consequence: missense variant. On other transcripts: non-coding transcript variant (2).
Genome position (GRCh38, 1-based): chr3:14,159,805, A>G on the plus strand (T>C on the coding strand, the complement: XPC is on the minus strand). VCF-style: chr3-14159805-A-G. GRCh37 (hg19) VCF-style: chr3-14201305-A-G.
Other names: c.347T>C, p.Leu116Pro (NM_001354726.2); c.926T>C, p.Leu309Pro (NM_001354727.2, NM_001354730.2); c.908T>C, p.Leu303Pro (NM_001354729.2); short protein forms L116P, L303P, L309P.
Identifiers: ClinVar variation 4700519 (VCV004700519.1).